The following is an entry in ClinVar:

NM_007294.4(BRCA1):c.441+52_441+63del

Gene: BRCA1 (BRCA1 DNA repair associated; minus strand). Cytogenetic location: 17q21.31.
Variant type: Deletion.
Coding change: c.441+52_441+63del on transcript NM_007294.4 (MANE Select); bases 52 to 63 of the intron after coding-DNA position 441, 12 bases deleted (CTTTTTTTTTTT).
Molecular consequence: intron variant.
Genome position (GRCh38, 1-based): chr17:43,104,059-43,104,070, AAAAAAAAAAAG deleted on the plus strand (CTTTTTTTTTTT on the coding strand, the reverse complement: BRCA1 is on the minus strand); deleting any 12 consecutive bases within chr17:43,104,059-43,104,080 gives the same sequence; the c. name uses the placement nearest the transcript's 3' end. VCF-style (leftmost placement, unchanged base first): chr17-43104058-AAAAAAAAAAAAG-A. GRCh37 (hg19) VCF-style: chr17-41256075-AAAAAAAAAAAAG-A.
Other names: c.300+52_300+63del (NM_001408458.1, NM_001407931.1, NM_001407747.1 and 99 more transcripts); c.-218-9210_-218-9199del (NM_001407967.1, NM_001407966.1); c.60+52_60+63del (NM_001407959.1, NM_001407962.1, NM_001408512.1 and 4 more transcripts); c.231+52_231+63del (NM_001407885.1, NM_001407886.1, NM_001407898.1 and 58 more transcripts); c.441+52_441+63del (NM_001407686.1, NM_001408397.1, NM_001407632.1 and 164 more transcripts); c.309+52_309+63del (NM_001408451.1); c.363+52_363+63del (NM_001408475.1, NM_001407875.1, NM_001407659.1 and 21 more transcripts); c.432+52_432+63del (NM_001408408.1, NM_001407647.1, NM_001407646.1); and 1 more.
Identifiers: ClinVar variation 264809 (VCV000264809.3), dbSNP rs536390258, ClinGen allele CA10588239.
Genomic context (GRCh38, chr17:43,104,058, plus strand): 5'-TAAGGGGGCTAAGGCAGGAGGACTGCTTCTAGCCTGGGCCACAGAGCAAGACTCCATCTC[AAAAAAAAAAAAG>A]AAAAAAAAAAGAAAAGAAGAAGAAGAAGAAGAAGAAAACAAATGGTTTTACCAAGGAAGG-3'

ClinVar aggregate classification (germline): Benign. Review status: reviewed by expert panel (3 of 4 stars). 2 submissions from 2 submitters: Benign (1). 1 of the submissions does not count toward it. Last evaluated 2016-09-28.

Conditions:
BRCA1-related disorder. Also called: BRCA1-related condition.
Breast-ovarian cancer, familial, susceptibility to, 1 (BROVCA1). Also called: BRCA1 Hereditary Breast and Ovarian Cancer; OVARIAN CANCER, SUSCEPTIBILITY TO. Identifiers: Orphanet 145, MedGen C2676676, MONDO:0011450, OMIM 604370. Disease mechanism: loss of function.

Submissions (2):

Evidence-based Network for the Interpretation of Germline Mutant Alleles (ENIGMA)
Classification: Benign for Breast-ovarian cancer, familial, susceptibility to, 1. Last evaluated: 2016-09-28. Review status: reviewed by expert panel. Criteria: ENIGMA BRCA1/2 Classification Criteria (2015). Collection method: curation. Allele origin: germline.
Comment: Class 1 not pathogenic based on frequency >1% in an outbred sampleset. Frequency 0.3559 (European), 0.3321 (African), 0.4006 (Admixed American/Latino), 0.3899 (East Asian), 0.5204 (South Asian), derived from 1000 genomes (2013-05-02).

PreventionGenetics, part of Exact Sciences
Classification: Likely benign for BRCA1-related condition. Last evaluated: 2025-11-17. Review status: criteria provided, single submitter. Criteria: ACMG Guidelines, 2015. Collection method: clinical testing. Allele origin: germline. Not counted in ClinVar's aggregate classification.
Comment: This variant is classified as likely benign based on ACMG/AMP sequence variant interpretation guidelines (Richards et al. 2015 PMID: 25741868, with internal and published modifications).